The following is an entry in ClinVar:

NM_001134363.3(RBM20):c.1179C>T (p.Pro393=)

Gene: RBM20 (RNA binding motif protein 20; plus strand). Cytogenetic location: 10q25.2.
Variant type: single nucleotide variant.
Coding change: c.1179C>T on transcript NM_001134363.3 (MANE Select); coding-DNA position 1179, C replaced by T.
Protein change: p.Pro393=; no amino-acid change (proline 393 retained).
Molecular consequence: synonymous variant.
Genome position (GRCh38, 1-based): chr10:110,781,788, C>T. VCF-style: chr10-110781788-C-T. GRCh37 (hg19) VCF-style: chr10-112541546-C-T.
Other names: p.P393P:CCC>CCT; p.Pro393=.
Identifiers: ClinVar variation 43966 (VCV000043966.57), dbSNP rs200588338, ClinGen allele CA133254.

ClinVar aggregate classification (germline): Conflicting classifications of pathogenicity. Review status: criteria provided, conflicting classifications (1 of 4 stars). 15 submissions from 15 submitters: Uncertain significance (1); Benign (3); Likely benign (6). 5 of the submissions do not count toward it. Last evaluated 2026-08-01.

Conditions:
RBM20-related disorder. Also called: RBM20-related condition.
Cardiovascular phenotype. Identifiers: MedGen CN230736.
Cardiomyopathy (CMYO). Also called: Cardiomyopathies. Identifiers: Orphanet 167848, MedGen C0878544, MONDO:0004994, HP:0001638. Inheritance: Various modes of inheritance.
Dilated cardiomyopathy 1DD (CMD1DD). Identifiers: Orphanet 154, MedGen C2750995, MONDO:0013168, OMIM 613172.

Allele frequency attached by ClinVar (database versions not stated): gnomAD exomes 0.00070; ExAC 0.00055; gnomAD 0.00078 and 0.00074; TOPMed 0.00074.
gnomAD v4.1: 2,148 of 1,551,698 alleles (0.14%); highest among the groups gnomAD compares: Non-Finnish European, 0.17%; 2 homozygotes.

Submissions (15):

CeGaT Center for Human Genetics Tuebingen
Classification: Likely benign. Last evaluated: 2026-08-01. Review status: criteria provided, single submitter. Criteria: CeGaT Center For Human Genetics Tuebingen Variant Classification Criteria Version 2. Collection method: clinical testing. Allele origin: germline. Affected: yes. Observed: 3 variant alleles.
Comment: RBM20: BP4, BP7

Labcorp Genetics (formerly Invitae), Labcorp
Classification: Likely benign for Dilated cardiomyopathy 1DD. Last evaluated: 2026-02-03. Review status: criteria provided, single submitter. Criteria: Invitae Variant Classification Sherloc (09022015). Collection method: clinical testing. Allele origin: germline.

Mayo Clinic Laboratories, Mayo Clinic
Classification: Likely benign. Last evaluated: 2025-10-03. Review status: criteria provided, single submitter. Criteria: ACMG Guidelines, 2015. Collection method: clinical testing. Allele origin: germline. Observed: 5 variant alleles.
Comment: BS1, BP4, BP7

Blueprint Genetics
Classification: Likely benign. Last evaluated: 2024-11-06. Review status: criteria provided, single submitter. Criteria: ACMG Guidelines, 2015. Collection method: clinical testing. Allele origin: germline.

Women's Health and Genetics/Laboratory Corporation of America, LabCorp
Classification: Benign. Last evaluated: 2020-01-25. Review status: criteria provided, single submitter. Criteria: LabCorp Variant Classification Summary - May 2015. Collection method: clinical testing. Allele origin: germline.

CHEO Genetics Diagnostic Laboratory, Children's Hospital of Eastern Ontario
Classification: Benign for Cardiomyopathy. Last evaluated: 2018-02-07. Review status: criteria provided, single submitter. Criteria: ACMG Guidelines, 2015. Collection method: clinical testing. Allele origin: germline.

Illumina Laboratory Services, Illumina
Classification: Uncertain significance for Dilated cardiomyopathy 1DD. Last evaluated: 2018-01-13. Review status: criteria provided, single submitter. Criteria: ICSL Variant Classification Criteria 13 December 2019. Collection method: clinical testing. Allele origin: germline.

Ambry Genetics
Classification: Likely benign for Cardiovascular phenotype. Last evaluated: 2016-05-09. Review status: criteria provided, single submitter. Criteria: Ambry Variant Classification Scheme 2023. Collection method: clinical testing. Allele origin: germline.

GeneDx
Classification: Benign. Last evaluated: 2014-01-08. Review status: criteria provided, single submitter. Criteria: GeneDx Variant Classification (06012015). Collection method: clinical testing. Allele origin: germline. Affected: yes.
Comment: This variant is considered likely benign or benign based on one or more of the following criteria: it is a conservative change, it occurs at a poorly conserved position in the protein, it is predicted to be benign by multiple in silico algorithms, and/or has population frequency not consistent with disease.

Laboratory for Molecular Medicine, Mass General Brigham Personalized Medicine
Classification: Likely benign. Last evaluated: 2013-05-30. Review status: criteria provided, single submitter. Criteria: LMM Criteria. Collection method: clinical testing. Allele origin: germline. Observed: 3 variant alleles.
Comment: Pro393Pro in exon 2 of RBM20: This variant is not expected to have clinical sign ificance because it does not alter an amino acid residue and is not located with in the splice consensus sequence. Pro393Pro in exon 2 of RBM20 (allele frequen cy = n/a)

PreventionGenetics, part of Exact Sciences
Classification: Likely benign for RBM20-related condition. Last evaluated: 2019-09-17. Review status: no assertion criteria provided. Collection method: clinical testing. Allele origin: germline. Not counted in ClinVar's aggregate classification.
Comment: This variant is classified as likely benign based on ACMG/AMP sequence variant interpretation guidelines (Richards et al. 2015 PMID: 25741868, with internal and published modifications).

Clinical Genetics DNA and cytogenetics Diagnostics Lab, Erasmus MC, Erasmus Medical Center
Classification: Likely benign. Review status: no assertion criteria provided. Collection method: clinical testing. Allele origin: germline. Affected: yes. Study: VKGL Data-share Consensus. Not counted in ClinVar's aggregate classification.

Clinical Genetics, Academic Medical Center
Classification: Benign. Review status: no assertion criteria provided. Collection method: clinical testing. Allele origin: germline. Affected: yes. Study: VKGL Data-share Consensus. Not counted in ClinVar's aggregate classification.

Genome Diagnostics Laboratory, University Medical Center Utrecht
Classification: Likely benign. Review status: no assertion criteria provided. Collection method: clinical testing. Allele origin: germline. Affected: yes. Study: VKGL Data-share Consensus. Not counted in ClinVar's aggregate classification.

Joint Genome Diagnostic Labs from Nijmegen and Maastricht, Radboudumc and MUMC+
Classification: Likely benign. Review status: no assertion criteria provided. Collection method: clinical testing. Allele origin: germline. Affected: yes. Study: VKGL Data-share Consensus. Not counted in ClinVar's aggregate classification.